The following is an entry in ClinVar:

NM_153240.5(NPHP3):c.502G>A (p.Val168Ile)

Genes: NPHP3 (nephrocystin 3; minus strand), NPHP3-ACAD11 (NPHP3-ACAD11 readthrough (NMD candidate); minus strand). Cytogenetic location: 3q22.1.
Variant type: single nucleotide variant.
Coding change: c.502G>A on transcript NM_153240.5 (MANE Select); coding-DNA position 502, G replaced by A.
Protein change: p.Val168Ile; replaces valine 168 with isoleucine.
Molecular consequence: missense variant. On other transcripts: non-coding transcript variant (1).
Genome position (GRCh38, 1-based): chr3:132,719,722, C>T on the plus strand (G>A on the coding strand, the complement: NPHP3 is on the minus strand). VCF-style: chr3-132719722-C-T. GRCh37 (hg19) VCF-style: chr3-132438566-C-T.
Other names: c.502G>A (NM_153240.4); short protein forms V168I.
Identifiers: ClinVar variation 2198287 (VCV002198287.3), dbSNP rs1940153544, ClinGen allele CA354587860.

ClinVar aggregate classification (germline): Uncertain significance. Review status: criteria provided, multiple submitters, no conflicts (2 of 4 stars). 2 submissions from 2 submitters: Uncertain significance (2). Last evaluated 2025-02-28.

Conditions:
Inborn genetic diseases. Identifiers: MedGen C0950123, MeSH D030342.
Nephronophthisis. Also called: Juvenile Nephronophthisis. Identifiers: Orphanet 655, MedGen C0687120, MONDO:0019005, HP:0000090.

Allele frequency attached by ClinVar (database versions not stated): TOPMed below 0.00001.
gnomAD v4.1: 1 of 1,559,048 alleles (0.000064%); highest among the groups gnomAD compares: Middle Eastern, 0.017%; no homozygotes.

Submissions (2):

Ambry Genetics
Classification: Uncertain significance for Inborn genetic diseases. Last evaluated: 2025-02-28. Review status: criteria provided, single submitter. Criteria: Ambry Variant Classification Scheme 2023. Collection method: clinical testing. Allele origin: germline.

Labcorp Genetics (formerly Invitae), Labcorp
Classification: Uncertain significance for Nephronophthisis. Last evaluated: 2021-12-23. Review status: criteria provided, single submitter. Criteria: Invitae Variant Classification Sherloc (09022015). Collection method: clinical testing. Allele origin: germline.
Comment: In summary, the available evidence is currently insufficient to determine the role of this variant in disease. Therefore, it has been classified as a Variant of Uncertain Significance. Algorithms developed to predict the effect of missense changes on protein structure and function are either unavailable or do not agree on the potential impact of this missense change (SIFT: "Deleterious"; PolyPhen-2: "Possibly Damaging"; Align-GVGD: "Class C0"). This variant has not been reported in the literature in individuals affected with NPHP3-related conditions. This variant is not present in population databases (gnomAD no frequency). This sequence change replaces valine, which is neutral and non-polar, with isoleucine, which is neutral and non-polar, at codon 168 of the NPHP3 protein (p.Val168Ile).